The following is an entry in ClinVar:

ClinVar aggregate classification (germline): Likely pathogenic (0 of 4 stars; one submission).

Conditions:
Gray platelet syndrome (GPS). Also called: BLEEDING DISORDER, PLATELET-TYPE, 4. Identifiers: Orphanet 721, MedGen C0272302, MONDO:0007686, OMIM 139090.

Submission:

ISTH-SSC Genomics in Thrombosis and Hemostasis, KU Leuven, Center for Molecular and Vascular Biology
Classification: Likely pathogenic for Gray platelet syndrome. Review status: no assertion criteria provided. Collection method: research. Allele origin: unknown. Affected: yes.
Comment: Submitted to GoldVariant by Dr Marie-Christine Morel-Kopp from Northern Blood Research Centre, Sydney, Australia

NM_015175.3(NBEAL2):c.5502_5509del (p.Tyr1835fs)

Gene: NBEAL2 (neurobeachin like 2; plus strand). Cytogenetic location: 3p21.31.
Variant type: Deletion.
Coding change: c.5502_5509del on transcript NM_015175.3 (MANE Select); coding-DNA positions 5502 to 5509, 8 bases deleted (ATATTCAC; older notation c.5502_5509delATATTCAC).
Protein change: p.Tyr1835fs; shifts the reading frame from tyrosine 1835.
Molecular consequence: frameshift variant.
Genome position (GRCh38, 1-based): chr3:47,002,999-47,003,006, ATATTCAC deleted; deleting any 8 consecutive bases within chr3:47,002,997-47,003,006 gives the same sequence; the c. name uses the placement nearest the transcript's 3' end. VCF-style (leftmost placement, unchanged base first): chr3-47002996-GACATATTC-G. GRCh37 (hg19) VCF-style: chr3-47044486-GACATATTC-G.
Other names: c.5400_5407del, p.Tyr1801fs (NM_001365116.2); short protein forms Y1801fs, Y1835fs.
Identifiers: ClinVar variation 1684444 (VCV001684444.1), dbSNP rs2107416663, ClinGen allele CA2573136994.